The following is an entry in ClinVar:

NM_144687.4(NLRP12):c.615G>C (p.Glu205Asp)

Gene: NLRP12 (NLR family pyrin domain containing 12; minus strand). Cytogenetic location: 19q13.42.
Variant type: single nucleotide variant.
Coding change: c.615G>C on transcript NM_144687.4 (MANE Select); coding-DNA position 615, G replaced by C.
Protein change: p.Glu205Asp; replaces glutamic acid 205 with aspartic acid.
Molecular consequence: missense variant.
Genome position (GRCh38, 1-based): chr19:53,811,044, C>G on the plus strand (G>C on the coding strand, the complement: NLRP12 is on the minus strand). VCF-style: chr19-53811044-C-G. GRCh37 (hg19) VCF-style: chr19-54314298-C-G.
Other names: c.615G>C, p.Glu205Asp (NM_001277126.2, NM_001277129.1); short protein forms E205D.
Identifiers: ClinVar variation 4807439 (VCV004807439.1).

ClinVar aggregate classification (germline): Uncertain significance (1 of 4 stars; one submission).

Conditions:
Familial cold autoinflammatory syndrome 2 (FCAS2). Identifiers: Orphanet 247868, MedGen C2673198, MONDO:0012724, OMIM 611762.

Submission:

Labcorp Genetics (formerly Invitae), Labcorp
Classification: Uncertain significance for Familial cold autoinflammatory syndrome 2. Last evaluated: 2025-06-24. Review status: criteria provided, single submitter. Criteria: Invitae Variant Classification Sherloc (09022015). Collection method: clinical testing. Allele origin: germline.
Comment: This sequence change replaces glutamic acid, which is acidic and polar, with aspartic acid, which is acidic and polar, at codon 205 of the NLRP12 protein (p.Glu205Asp). This variant is not present in population databases (gnomAD no frequency). This variant has not been reported in the literature in individuals affected with NLRP12-related conditions. Invitae Evidence Modeling of protein sequence and biophysical properties (such as structural, functional, and spatial information, amino acid conservation, physicochemical variation, residue mobility, and thermodynamic stability) indicates that this missense variant is not expected to disrupt NLRP12 protein function with a negative predictive value of 80%. In summary, the available evidence is currently insufficient to determine the role of this variant in disease. Therefore, it has been classified as a Variant of Uncertain Significance.